The following is an entry in ClinVar:

ClinVar aggregate classification (germline): Uncertain significance. Review status: criteria provided, multiple submitters, no conflicts (2 of 4 stars). 5 submissions from 5 submitters: Uncertain significance (5). Last evaluated 2025-08-01.

Conditions:
Noonan syndrome and Noonan-related syndrome. Identifiers: Orphanet 98733, MedGen C5681679, MONDO:0020297.
Cardiofaciocutaneous syndrome 1 (CFC1). Also called: BRAF-Related Cardiofaciocutaneous Syndrome. Identifiers: Orphanet 1340, MedGen CN029449, MONDO:0007265, OMIM 115150. Disease mechanism: gain of function.
Noonan syndrome 1 (NS1). Also called: TURNER PHENOTYPE WITH NORMAL KARYOTYPE; FEMALE PSEUDO-TURNER SYNDROME; PTPN11-Related Noonan Syndrome. Identifiers: Orphanet 648, MedGen C4551602, MONDO:0008104, OMIM 163950. Disease mechanism: gain of function.
LEOPARD syndrome 3 (LPRD3). Identifiers: Orphanet 500, MedGen C3150971, MONDO:0013380, OMIM 613707.
Noonan syndrome 7 (NS7). Also called: BRAF-Related Noonan Syndrome. Identifiers: Orphanet 648, MedGen C3150970, MONDO:0013379, OMIM 613706.
Lung carcinoma. Identifiers: MedGen C0684249, MONDO:0005138.
RASopathy. Also called: Noonan spectrum disorder; rasopathies. Identifiers: Orphanet 536391, MedGen C5555857, MONDO:0021060.

Allele frequency attached by ClinVar (database versions not stated): gnomAD 0.00001 and 0.00003; ExAC 0.00002; gnomAD exomes 0.00002; TOPMed 0.00002; 1000 Genomes Project 30x 0.00016; 1000 Genomes Project 0.00020.

Submissions (5):

Labcorp Genetics (formerly Invitae), Labcorp
Classification: Uncertain significance for RASopathy. Last evaluated: 2025-08-01. Review status: criteria provided, single submitter. Criteria: Invitae Variant Classification Sherloc (09022015). Collection method: clinical testing. Allele origin: germline.
Comment: This sequence change replaces arginine, which is basic and polar, with histidine, which is basic and polar, at codon 389 of the BRAF protein (p.Arg389His). This variant is present in population databases (rs577372072, gnomAD 0.01%). This variant has not been reported in the literature in individuals affected with BRAF-related conditions. ClinVar contains an entry for this variant (Variation ID: 372627). Invitae Evidence Modeling of protein sequence and biophysical properties (such as structural, functional, and spatial information, amino acid conservation, physicochemical variation, residue mobility, and thermodynamic stability) indicates that this missense variant is not expected to disrupt BRAF protein function with a negative predictive value of 95%. In summary, the available evidence is currently insufficient to determine the role of this variant in disease. Therefore, it has been classified as a Variant of Uncertain Significance.

Women's Health and Genetics/Laboratory Corporation of America, LabCorp
Classification: Uncertain significance. Last evaluated: 2022-06-20. Review status: criteria provided, single submitter. Criteria: LabCorp Variant Classification Summary - May 2015. Collection method: clinical testing. Allele origin: germline.
Comment: Variant summary: BRAF c.1166G>A (p.Arg389His) results in a non-conservative amino acid change in the encoded protein sequence. Two of four in-silico tools predict a benign effect of the variant on protein function. The variant allele was found at a frequency of 1.6e-05 in 251284 control chromosomes, predominantly at a frequency of 9.8e-05 within the South Asian subpopulation in the gnomAD database. The available data on variant occurrences in the general population are insufficient to allow any conclusion about variant significance. To our knowledge, no occurrence of c.1166G>A in individuals affected with Cardiofaciocutaneous Syndrome and no experimental evidence demonstrating its impact on protein function have been reported. Four clinical diagnostic laboratories have submitted clinical-significance assessments for this variant to ClinVar after 2014 without evidence for independent evaluation. All laboratories classified the variant as uncertain significance. Based on the evidence outlined above, the variant was classified as uncertain significance.

Fulgent Genetics
Classification: Uncertain significance for Cardiofaciocutaneous syndrome 1; Noonan syndrome 1; Lung cancer; Noonan syndrome 7; LEOPARD syndrome 3. Last evaluated: 2018-10-31. Review status: criteria provided, single submitter. Criteria: ACMG Guidelines, 2015. Collection method: clinical testing. Allele origin: unknown.

Genome Diagnostics Laboratory, The Hospital for Sick Children
Classification: Uncertain significance for Noonan syndrome and Noonan-related syndrome. Last evaluated: 2018-02-01. Review status: criteria provided, single submitter. Criteria: ACMG Guidelines, 2015. Collection method: clinical testing. Allele origin: germline.

GeneDx
Classification: Uncertain significance. Last evaluated: 2015-05-11. Review status: criteria provided, single submitter. Criteria: GeneDx Variant Classification (06012015). Collection method: clinical testing. Allele origin: germline. Affected: yes.
Comment: To our knowledge, the R389H variant has not been published as pathogenic variant, nor has it been reported as a benign polymorphism. It was not observed in approximately 6,500 individuals of European and African American ancestry in the NHLBI Exome Sequencing Project, indicating it is not a common benign variant in these populations. R389H is a conservative amino acid substitution, which is not likely to impact secondary protein structure as these residues share similar properties. However, this substitution occurs at a position that is conserved across species and in-silico analysis inconsistent in its predictions as to whether or not the variant is damaging to the protein structure/function. In addition, a missense variant in a nearby residue (R384G) has been reported in the Human Gene Mutation Database in association with Noonan syndrome (Stenson et al., 2014), supporting the functional importance of this region of the protein. Therefore, based on the currently available information, it is unclear whether this variant is a pathogenic variant or a rare benign variant.

NM_004333.6(BRAF):c.1166G>A (p.Arg389His)

Gene: BRAF (B-Raf proto-oncogene, serine/threonine kinase; minus strand). Cytogenetic location: 7q34.
Variant type: single nucleotide variant.
Coding change: c.1166G>A on transcript NM_004333.6 (MANE Select); coding-DNA position 1166, G replaced by A.
Protein change: p.Arg389His; replaces arginine 389 with histidine.
Molecular consequence: missense variant. On other transcripts: intron variant (1).
Genome position (GRCh38, 1-based): chr7:140,787,559, C>T on the plus strand (G>A on the coding strand, the complement: BRAF is on the minus strand). VCF-style: chr7-140787559-C-T. GRCh37 (hg19) VCF-style: chr7-140487359-C-T.
Other names: c.1166G>A, p.Arg389His (NM_001354609.2, NM_001374244.1, NM_001374258.1 and 3 more transcripts); c.1141-4476G>A (NM_001378471.1); c.1175G>A, p.Arg392His (NM_001378467.1); c.1064G>A, p.Arg355His (NM_001378470.1); c.1010G>A, p.Arg337His (NM_001378472.1, NM_001378473.1); c.902G>A, p.Arg301His (NM_001378475.1); short protein forms R389H, R301H, R337H, R355H, R392H.
Identifiers: ClinVar variation 372627 (VCV000372627.13), dbSNP rs577372072, ClinGen allele CA4516795.